The following is an entry in ClinVar:

ClinVar aggregate classification (germline): Uncertain significance (1 of 4 stars; one submission).

Conditions:
Hereditary cancer-predisposing syndrome. Also called: Neoplastic Syndromes, Hereditary; Tumor predisposition; Hereditary neoplastic syndrome; Hereditary Cancer Syndrome. Identifiers: Orphanet 140162, MedGen C0027672, MeSH D009386, MONDO:0015356.

Submission:

Ambry Genetics
Classification: Uncertain significance for Hereditary cancer-predisposing syndrome. Last evaluated: 2026-07-01. Review status: criteria provided, single submitter. Criteria: Ambry Variant Classification Scheme 2023. Collection method: clinical testing. Allele origin: germline.
Comment: The p.V375L variant (also known as c.1123G>T), located in coding exon 5 of the BLM gene, results from a G to T substitution at nucleotide position 1123. The valine at codon 375 is replaced by leucine, an amino acid with highly similar properties. This amino acid position is conserved. In addition, this alteration is predicted to be tolerated by in silico analysis. Based on the available evidence, the clinical significance of this variant remains unclear.

NM_000057.4(BLM):c.1123G>T (p.Val375Leu)

Gene: BLM (BLM RecQ like helicase; plus strand). Cytogenetic location: 15q26.1.
Variant type: single nucleotide variant.
Coding change: c.1123G>T on transcript NM_000057.4 (MANE Select); coding-DNA position 1123, G replaced by T.
Protein change: p.Val375Leu; replaces valine 375 with leucine.
Molecular consequence: missense variant. On other transcripts: 5 prime UTR variant (1).
Genome position (GRCh38, 1-based): chr15:90,760,182, G>T. VCF-style: chr15-90760182-G-T. GRCh37 (hg19) VCF-style: chr15-91303412-G-T.
Other names: c.1123G>T, p.Val375Leu (NM_001287246.2, NM_001287247.2); c.-3G>T (NM_001287248.2); short protein forms V375L.
Identifiers: ClinVar variation 5032873 (VCV005032873.1).